The following is an entry in ClinVar:

NM_001127644.2(GABRA1):c.820C>T (p.Leu274Phe)

Gene: GABRA1 (gamma-aminobutyric acid type A receptor subunit alpha1; plus strand). Cytogenetic location: 5q34.
Variant type: single nucleotide variant.
Coding change: c.820C>T on transcript NM_001127644.2 (MANE Select); coding-DNA position 820, C replaced by T.
Protein change: p.Leu274Phe; replaces leucine 274 with phenylalanine.
Molecular consequence: missense variant.
Genome position (GRCh38, 1-based): chr5:161,891,014, C>T. VCF-style: chr5-161891014-C-T. GRCh37 (hg19) VCF-style: chr5-161318020-C-T.
Other names: c.820C>T, p.Leu274Phe (NM_000806.5, NM_001127643.2, NM_001127645.2 and 1 more transcripts); short protein forms L274F.
Identifiers: ClinVar variation 4055923 (VCV004055923.2).

ClinVar aggregate classification (germline): Uncertain significance (1 of 4 stars; one submission).

Submission:

GeneDx
Classification: Uncertain significance. Last evaluated: 2026-09-12. Review status: criteria provided, single submitter. Criteria: GeneDx Variant Classification Process June 2021. Collection method: clinical testing. Allele origin: germline.
Comment: Not observed at significant frequency in large population cohorts (gnomAD); In silico analysis suggests that this missense variant does not alter protein structure/function; Has not been previously published as pathogenic or benign to our knowledge.